The following is an entry in ClinVar:

NM_007215.4(POLG2):c.115C>T (p.Pro39Ser)

Genes: MILR1 (mast cell immunoglobulin like receptor 1; plus strand), POLG2 (DNA polymerase gamma 2, accessory subunit; minus strand). Cytogenetic location: 17q23.3.
Variant type: single nucleotide variant.
Coding change: c.115C>T on transcript NM_007215.4 (MANE Select); coding-DNA position 115, C replaced by T.
Protein change: p.Pro39Ser; replaces proline 39 with serine.
Molecular consequence: missense variant.
Genome position (GRCh38, 1-based): chr17:64,496,854, G>A on the plus strand (C>T on the coding strand, the complement: POLG2 is on the minus strand). VCF-style: chr17-64496854-G-A. GRCh37 (hg19) VCF-style: chr17-62492972-G-A.
Other names: short protein forms P39S.
Identifiers: ClinVar variation 3610956 (VCV003610956.2).
Genomic context (GRCh38, chr17:64,496,854, plus strand): 5'-CTTCTGGGTGCTCGCCGTTCCCCTCGAGCTCCGCGTGCGACTTCACATGCCCTCCTTTGG[G>A]GCTACTCCTTTCCGTCAACAGCTCCGGCTGCCCCGCATCTACTCGACCCCCAAACCCAGA-3'
Protein context (NP_009146.2, residues 29-49): QPELLTERSS[Pro39Ser]KGGHVKSHAE

ClinVar aggregate classification (germline): Uncertain significance (1 of 4 stars; one submission).

gnomAD v4.1: 1 of 1,613,712 alleles (0.000062%); highest among the groups gnomAD compares: Non-Finnish European, 0.000085%; no homozygotes.

Submission:

Labcorp Genetics (formerly Invitae), Labcorp
Classification: Uncertain significance. Last evaluated: 2024-05-09. Review status: criteria provided, single submitter. Criteria: Invitae Variant Classification Sherloc (09022015). Collection method: clinical testing. Allele origin: germline.
Comment: This sequence change replaces proline, which is neutral and non-polar, with serine, which is neutral and polar, at codon 39 of the POLG2 protein (p.Pro39Ser). This variant is not present in population databases (gnomAD no frequency). This variant has not been reported in the literature in individuals affected with POLG2-related conditions. Algorithms developed to predict the effect of missense changes on protein structure and function output the following: SIFT: "Not Available"; PolyPhen-2: "Benign"; Align-GVGD: "Not Available". The serine amino acid residue is found in multiple mammalian species, which suggests that this missense change does not adversely affect protein function. In summary, the available evidence is currently insufficient to determine the role of this variant in disease. Therefore, it has been classified as a Variant of Uncertain Significance.